The following is an entry in ClinVar:

ClinVar aggregate classification (germline): Benign/Likely benign. Review status: criteria provided, multiple submitters, no conflicts (2 of 4 stars). 5 submissions from 5 submitters: Benign (2); Likely benign (2). 1 of the submissions does not count toward it. Last evaluated 2026-01-24.

Conditions:
Achondrogenesis, type IB (ACG1B). Also called: Achondrogenesis Type 1B. Identifiers: Orphanet 932, Orphanet 93298, MedGen C0265274, MONDO:0010966, OMIM 600972.
Diastrophic dysplasia (DTD). Also called: Diastrophic dwarfism. Identifiers: Orphanet 628, MedGen C0220726, MONDO:0009107, OMIM 222600.
Atelosteogenesis type II (AO2). Also called: NEONATAL OSSEOUS DYSPLASIA I; Neonatal osseous dysplasia 1; SLC26A2-Related Atelosteogenesis. Identifiers: Orphanet 56304, MedGen C1850554, MONDO:0009727, OMIM 256050.
Multiple epiphyseal dysplasia type 4 (EDM4). Also called: MULTIPLE EPIPHYSEAL DYSPLASIA WITH BILAYERED PATELLAE; MULTIPLE EPIPHYSEAL DYSPLASIA WITH CLUBFOOT; MULTIPLE EPIPHYSEAL DYSPLASIA, AUTOSOMAL RECESSIVE; SLC26A2-Related Multiple Epiphyseal Dysplasia; Multiple Epiphyseal Dysplasia, Recessive. Identifiers: Orphanet 93307, MedGen C1847593, MONDO:0009189, OMIM 226900.
Connective tissue disorder. Also called: Connective tissue disease. Identifiers: MedGen C0009782, MONDO:0003900.

Allele frequency attached by ClinVar (database versions not stated): gnomAD 0.00001 and 0.00019; TOPMed 0.00002; gnomAD exomes 0.00048 and 0.00097; 1000 Genomes Project 30x 0.00094; ExAC 0.00107; 1000 Genomes Project 0.00120.
gnomAD v4.1: 745 of 1,614,190 alleles (0.046%); highest among the groups gnomAD compares: South Asian, 0.77%; 9 homozygotes.

Submissions (5):

Labcorp Genetics (formerly Invitae), Labcorp
Classification: Benign for Atelosteogenesis type II; Multiple epiphyseal dysplasia type 4; Achondrogenesis, type IB; Diastrophic dysplasia. Last evaluated: 2026-01-24. Review status: criteria provided, single submitter. Criteria: Invitae Variant Classification Sherloc (09022015). Collection method: clinical testing. Allele origin: germline.

CeGaT Center for Human Genetics Tuebingen
Classification: Likely benign. Last evaluated: 2025-06-01. Review status: criteria provided, single submitter. Criteria: CeGaT Center For Human Genetics Tuebingen Variant Classification Criteria Version 2. Collection method: clinical testing. Allele origin: germline. Affected: yes. Observed: 1 variant allele.
Comment: SLC26A2: BP4, BP7

GeneDx
Classification: Benign. Last evaluated: 2021-01-14. Review status: criteria provided, single submitter. Criteria: GeneDx Variant Classification Process June 2021. Collection method: clinical testing. Allele origin: germline. Affected: yes.

Genome Diagnostics Laboratory, The Hospital for Sick Children
Classification: Likely benign for Connective tissue disorder. Last evaluated: 2020-07-09. Review status: criteria provided, single submitter. Criteria: ACMG Guidelines, 2015. Collection method: clinical testing. Allele origin: germline.

Natera, Inc.
Classification: Likely benign for Achondrogenesis type IB. Last evaluated: 2020-05-01. Review status: no assertion criteria provided. Collection method: clinical testing. Allele origin: germline. Not counted in ClinVar's aggregate classification.

NM_000112.4(SLC26A2):c.1647A>G (p.Pro549=)

Gene: SLC26A2 (solute carrier family 26 member 2; plus strand). Cytogenetic location: 5q32.
Variant type: single nucleotide variant.
Coding change: c.1647A>G on transcript NM_000112.4 (MANE Select); coding-DNA position 1647, A replaced by G.
Protein change: p.Pro549=; no amino-acid change (proline 549 retained).
Molecular consequence: synonymous variant.
Genome position (GRCh38, 1-based): chr5:149,981,240, A>G. VCF-style: chr5-149981240-A-G. GRCh37 (hg19) VCF-style: chr5-149360803-A-G.
Identifiers: ClinVar variation 788309 (VCV000788309.27), dbSNP rs200694484, ClinGen allele CA3505472.
Genomic context (GRCh38, chr5:149,981,240, plus strand): 5'-AGGCCTACTTGTTGGGGTTTGTTTTTCTATATTTTGTGTCATCCTCCGCACTCAGAAGCC[A>G]AAGAGTTCACTGCTTGGCTTGGTGGAAGAGTCTGAGGTCTTTGAATCTGTGTCTGCTTAC-3'
Protein context (NP_000103.2, residues 539-559): IFCVILRTQK[Pro549=]KSSLLGLVEE